The following is an entry in ClinVar:

NM_019066.5(MAGEL2):c.2294C>T (p.Ala765Val)

Gene: MAGEL2 (MAGE family member L2; minus strand). Cytogenetic location: 15q11.2.
Variant type: single nucleotide variant.
Coding change: c.2294C>T on transcript NM_019066.5 (MANE Select); coding-DNA position 2294, C replaced by T.
Protein change: p.Ala765Val; replaces alanine 765 with valine.
Molecular consequence: missense variant.
Genome position (GRCh38, 1-based): chr15:23,645,449, G>A on the plus strand (C>T on the coding strand, the complement: MAGEL2 is on the minus strand). VCF-style: chr15-23645449-G-A. GRCh37 (hg19) VCF-style: chr15-23890596-G-A.
Other names: short protein forms A765V.
Identifiers: ClinVar variation 4624186 (VCV004624186.1).

ClinVar aggregate classification (germline): Uncertain significance (1 of 4 stars; one submission).

Conditions:
Inborn genetic diseases. Identifiers: MedGen C0950123, MeSH D030342.

gnomAD v4.1: 3 of 1,613,976 alleles (0.00019%); highest among the groups gnomAD compares: Non-Finnish European, 0.00025%; no homozygotes.

Submission:

Ambry Genetics
Classification: Uncertain significance for Inborn genetic diseases. Last evaluated: 2025-11-19. Review status: criteria provided, single submitter. Criteria: Ambry Variant Classification Scheme 2023. Collection method: clinical testing. Allele origin: germline.
Comment: The c.2294C>T (p.A765V) alteration is located in exon 1 (coding exon 1) of the MAGEL2 gene. This alteration results from a C to T substitution at nucleotide position 2294, causing the alanine (A) at amino acid position 765 to be replaced by a valine (V). Based on data from gnomAD, the T allele has an overall frequency of <0.001% (1/248792) total alleles studied. The highest observed frequency was 0.001% (1/112744) of European (non-Finnish) alleles. Based on insufficient or conflicting evidence, the clinical significance of this alteration remains unclear.